The following is an entry in ClinVar:

ClinVar aggregate classification (germline): Conflicting classifications of pathogenicity. Review status: criteria provided, conflicting classifications (1 of 4 stars). 4 submissions from 4 submitters: Uncertain significance (1); Likely benign (2). 1 of the submissions does not count toward it. Last evaluated 2022-02-26.

Conditions:
LRRK2-related disorder. Also called: LRRK2-related condition.
Inborn genetic diseases. Identifiers: MedGen C0950123, MeSH D030342.
Autosomal dominant Parkinson disease 8. Also called: LRRK2-Related Parkinson Disease; Parkinson disease 8; Parkinson disease 8, susceptibility to. Identifiers: Orphanet 411602, MedGen C1846862, MONDO:0011764, OMIM 607060.

Allele frequency attached by ClinVar (database versions not stated): gnomAD exomes 0.00002 and 0.00008; ESP Exome Variant Server 0.00015; ExAC 0.00002; gnomAD 0.00003 and 0.00004; TOPMed 0.00003.
gnomAD v4.1: 129 of 1,613,282 alleles (0.008%); highest among the groups gnomAD compares: Non-Finnish European, 0.01%; no homozygotes.

Submissions (4):

Ambry Genetics
Classification: Likely benign for Inborn genetic diseases. Last evaluated: 2022-02-26. Review status: criteria provided, single submitter. Criteria: Ambry Variant Classification Scheme 2023. Collection method: clinical testing. Allele origin: germline.

Labcorp Genetics (formerly Invitae), Labcorp
Classification: Likely benign for Autosomal dominant Parkinson disease 8. Last evaluated: 2019-08-27. Review status: criteria provided, single submitter. Criteria: Invitae Variant Classification Sherloc (09022015). Collection method: clinical testing. Allele origin: germline.

Illumina Laboratory Services, Illumina
Classification: Uncertain significance for Autosomal dominant Parkinson disease 8. Last evaluated: 2018-01-12. Review status: criteria provided, single submitter. Criteria: ICSL Variant Classification Criteria 13 December 2019. Collection method: clinical testing. Allele origin: germline.

PreventionGenetics, part of Exact Sciences
Classification: Likely benign for LRRK2-related condition. Last evaluated: 2019-06-21. Review status: no assertion criteria provided. Collection method: clinical testing. Allele origin: germline. Not counted in ClinVar's aggregate classification.
Comment: This variant is classified as likely benign based on ACMG/AMP sequence variant interpretation guidelines (Richards et al. 2015 PMID: 25741868, with internal and published modifications).

NM_198578.4(LRRK2):c.3969A>G (p.Gln1323=)

Gene: LRRK2 (leucine rich repeat kinase 2; plus strand). Cytogenetic location: 12q12.
Variant type: single nucleotide variant.
Coding change: c.3969A>G on transcript NM_198578.4 (MANE Select); coding-DNA position 3969, A replaced by G.
Protein change: p.Gln1323=; no amino-acid change (glutamine 1323 retained).
Molecular consequence: synonymous variant.
Genome position (GRCh38, 1-based): chr12:40,308,476, A>G. VCF-style: chr12-40308476-A-G. GRCh37 (hg19) VCF-style: chr12-40702278-A-G.
Identifiers: ClinVar variation 308632 (VCV000308632.18), dbSNP rs372245035, ClinGen allele CA6514061.